The following is an entry in ClinVar:

ClinVar aggregate classification (germline): Benign/Likely benign. Review status: criteria provided, multiple submitters, no conflicts (2 of 4 stars). 3 submissions from 3 submitters: Benign (1); Likely benign (2). Last evaluated 2026-09-01.

Conditions:
Familial cold autoinflammatory syndrome 3 (FCAS3). Also called: FAMILIAL ATYPICAL COLD URTICARIA; ANTIBODY DEFICIENCY AND IMMUNE DYSREGULATION, PLCG2-ASSOCIATED. Identifiers: Orphanet 300359, MedGen C3280914, MONDO:0013766, OMIM 614468.

Allele frequency attached by ClinVar (database versions not stated): TOPMed 0.00001.
gnomAD v4.1: 32 of 1,613,818 alleles (0.002%); highest among the groups gnomAD compares: Admixed American, 0.052%; no homozygotes.

Submissions (3):

CeGaT Center for Human Genetics Tuebingen
Classification: Likely benign. Last evaluated: 2026-09-01. Review status: criteria provided, single submitter. Criteria: CeGaT Center For Human Genetics Tuebingen Variant Classification Criteria Version 2. Collection method: clinical testing. Allele origin: germline. Affected: yes. Observed: 1 variant allele.
Comment: PLCG2: BP4, BP7

Labcorp Genetics (formerly Invitae), Labcorp
Classification: Benign for Familial cold autoinflammatory syndrome 3. Last evaluated: 2025-11-05. Review status: criteria provided, single submitter. Criteria: Invitae Variant Classification Sherloc (09022015). Collection method: clinical testing. Allele origin: germline.

ARUP Laboratories, Molecular Genetics and Genomics, ARUP Laboratories
Classification: Likely benign. Last evaluated: 2024-08-28. Review status: criteria provided, single submitter. Criteria: ARUP Molecular Germline Variant Investigation Process 2024. Collection method: clinical testing. Allele origin: germline.

NM_002661.5(PLCG2):c.1386C>G (p.Gly462=)

Gene: PLCG2 (phospholipase C gamma 2; plus strand). Cytogenetic location: 16q23.3.
Variant type: single nucleotide variant.
Coding change: c.1386C>G on transcript NM_002661.5 (MANE Select); coding-DNA position 1386, C replaced by G.
Protein change: p.Gly462=; no amino-acid change (glycine 462 retained).
Molecular consequence: synonymous variant.
Genome position (GRCh38, 1-based): chr16:81,905,426, C>G. VCF-style: chr16-81905426-C-G. GRCh37 (hg19) VCF-style: chr16-81939031-C-G.
Identifiers: ClinVar variation 712792 (VCV000712792.12), dbSNP rs759622571, ClinGen allele CA8193744.